The following is an entry in ClinVar:

ClinVar aggregate classification (germline): Likely benign (1 of 4 stars; one submission).

Allele frequency attached by ClinVar (database versions not stated): ExAC 0.00002; gnomAD 0.00003.
gnomAD v4.1: 9 of 1,609,450 alleles (0.00056%); highest among the groups gnomAD compares: African/African-American, 0.0013%; no homozygotes.

Submission:

CeGaT Center for Human Genetics Tuebingen
Classification: Likely benign. Last evaluated: 2023-11-01. Review status: criteria provided, single submitter. Criteria: CeGaT Center For Human Genetics Tuebingen Variant Classification Criteria Version 2. Collection method: clinical testing. Allele origin: germline. Affected: yes. Observed: 1 variant allele.
Comment: ANKRD11: BP4, BP7

NM_013275.6(ANKRD11):c.5454C>T (p.Ala1818=)

Gene: ANKRD11 (ankyrin repeat domain 11; minus strand). Cytogenetic location: 16q24.3.
Variant type: single nucleotide variant.
Coding change: c.5454C>T on transcript NM_013275.6 (MANE Select); coding-DNA position 5454, C replaced by T.
Protein change: p.Ala1818=; no amino-acid change (alanine 1818 retained).
Molecular consequence: synonymous variant.
Genome position (GRCh38, 1-based): chr16:89,281,088, G>A on the plus strand (C>T on the coding strand, the complement: ANKRD11 is on the minus strand). VCF-style: chr16-89281088-G-A. GRCh37 (hg19) VCF-style: chr16-89347496-G-A.
Other names: c.5454C>T, p.Ala1818= (NM_001256182.2, NM_001256183.2).
Identifiers: ClinVar variation 2672668 (VCV002672668.23), dbSNP rs773528327, ClinGen allele CA8241839.
Genomic context (GRCh38, chr16:89,281,088, plus strand): 5'-AACCGGGGGCAGGGGCGCCCTGTCTTCCATCGAGGGTGGCATGGGAGAGTCGTAGCTGGA[G>A]GCAGCAGGAACGCTCTGCTGCCTGAAGAGCTTGTCTCCGACGCTGAATTCTTCCTCGGGG-3'
Protein context (NP_037407.4, residues 1808-1828): KLFRQQSVPA[Ala1818=]SSYDSPMPPS